The following is an entry in ClinVar:

ClinVar aggregate classification (germline): Benign/Likely benign. Review status: criteria provided, multiple submitters, no conflicts (2 of 4 stars). 2 submissions from 2 submitters: Benign (1); Likely benign (1). Last evaluated 2025-08-20.

Conditions:
Melanoma-pancreatic cancer syndrome. Identifiers: Orphanet 404560, MedGen C1838547, MONDO:0011713, OMIM 606719. Disease mechanism: loss of function.
Hereditary cancer-predisposing syndrome. Also called: Tumor predisposition; Neoplastic Syndromes, Hereditary; Hereditary Cancer Syndrome; Hereditary neoplastic syndrome. Identifiers: Orphanet 140162, MedGen C0027672, MeSH D009386, MONDO:0015356.

gnomAD v4.1: 1 of 1,613,780 alleles (0.000062%); no homozygotes.

Submissions (2):

Myriad Genetics, Inc.
Classification: Benign for Melanoma-pancreatic cancer syndrome. Last evaluated: 2025-08-20. Review status: criteria provided, single submitter. Criteria: Myriad Autosomal Dominant, Autosomal Recessive and X-Linked Classification Criteria (2023). Collection method: clinical testing. Allele origin: unknown.
Comment: This variant is considered benign. This variant occurs in the non-coding 3' untranslated region of the gene, and is not expected to impact protein function.

Color Diagnostics, LLC DBA Color Health
Classification: Likely benign for Hereditary cancer-predisposing syndrome. Last evaluated: 2016-08-12. Review status: criteria provided, single submitter. Criteria: ACMG Guidelines, 2015. Collection method: clinical testing. Allele origin: germline.

NM_000077.5(CDKN2A):c.*9G>A

Gene: CDKN2A (cyclin dependent kinase inhibitor 2A; minus strand). Cytogenetic location: 9p21.3.
Variant type: single nucleotide variant.
Coding change: c.*9G>A on transcript NM_000077.5; 9 bases downstream of the stop codon, G replaced by A.
Molecular consequence: 3 prime UTR variant (on NM_001195132.2).
Genome position (GRCh38, 1-based): chr9:21,968,220, C>T on the plus strand (G>A on the coding strand, the complement: CDKN2A is on the minus strand). VCF-style: chr9-21968220-C-T. GRCh37 (hg19) VCF-style: chr9-21968219-C-T.
Other names: c.*9G>A (NM_000077.6, NM_001363763.2); c.*173G>A (NM_001195132.2); c.*124G>A (NM_058195.4); c.*403G>A (NM_058197.5).
Identifiers: ClinVar variation 628620 (VCV000628620.3), dbSNP rs863224604, ClinGen allele CA373085034.